The following is an entry in ClinVar:

NM_000548.5(TSC2):c.481+1G>T

Gene: TSC2 (TSC complex subunit 2; plus strand). Cytogenetic location: 16p13.3.
Variant type: single nucleotide variant.
Coding change: c.481+1G>T on transcript NM_000548.5 (MANE Select); the canonical splice donor site of the intron after coding-DNA position 481, G replaced by T.
Molecular consequence: splice donor variant. On other transcripts: intron variant (6).
Genome position (GRCh38, 1-based): chr16:2,054,441, G>T. VCF-style: chr16-2054441-G-T. GRCh37 (hg19) VCF-style: chr16-2104442-G-T.
Other names: c.-1167+1G>T (NM_001406693.1); c.571+1G>T (NM_001406667.1, NM_001406668.1); c.-336+1G>T (NM_001406680.1, NM_001406683.1, NM_001406687.1); c.-951+1G>T (NM_001406689.1, NM_001406690.1, NM_001406692.1 and 2 more transcripts); c.-1127+1G>T (NM_001406698.1); c.481+1G>T (NM_001114382.3, NM_001406663.1, NM_001406664.1 and 8 more transcripts); c.-832+1G>T (NM_001406694.1, NM_001406695.1); c.-939+1G>T (NM_001406696.1); and 6 more.
Identifiers: ClinVar variation 49321 (VCV000049321.6), dbSNP rs45488500, ClinGen allele CA021010.

ClinVar aggregate classification (germline): Pathogenic. Review status: criteria provided, single submitter (1 of 4 stars). 2 submissions from 2 submitters: Pathogenic (1). 1 of the submissions does not count toward it. Last evaluated 2018-06-15.

Conditions:
Tuberous sclerosis syndrome (TSC). Also called: Tuberous Sclerosis Complex; Tuberous sclerosis. Identifiers: Orphanet 805, MedGen C0041341, MONDO:0001734.

Submissions (2):

Laboratory for Molecular Medicine, Mass General Brigham Personalized Medicine
Classification: Pathogenic for Tuberous sclerosis syndrome. Last evaluated: 2018-06-15. Review status: criteria provided, single submitter. Criteria: LMM Criteria. Collection method: clinical testing. Allele origin: germline. Inheritance: Autosomal dominant inheritance. Observed: 1 variant allele.
Comment: The c.481+1G>T variant in TSC2 has been reported in 1 individual with tuberous s clerosis complex (TSC; Choy 2009) and was absent from large population studies. This variant occurs in the invariant region (+/- 1,2) of the splice consensus se quence and is predicted to cause altered splicing leading to an abnormal or abse nt protein. Heterozygous loss of function of the TSC2 gene is an established dis ease mechanism in individuals with TSC. In summary, this variant meets criteria to be classified as pathogenic for TSC in an autosomal dominant manner based upo n the predicted impact on the protein and absence in the general population. ACM G/AMP criteria applied: PVS1, PM2, PS4_Supporting.

Tuberous sclerosis database (TSC2)
No classification provided. Condition: TSC. Review status: no classification provided. Criteria: Tuberous Sclerosis Database Assertion Criteria 2015. Collection method: curation. Allele origin: germline. Affected: yes. Not counted in ClinVar's aggregate classification.